The following is an entry in ClinVar:

ClinVar aggregate classification (germline): Conflicting classifications of pathogenicity. Review status: criteria provided, conflicting classifications (1 of 4 stars). 6 submissions from 6 submitters: Pathogenic (1); Likely pathogenic (3); Uncertain significance (1). 1 of the submissions does not count toward it. Last evaluated 2025-12-01.

Conditions:
Brain-lung-thyroid syndrome. Also called: Choreoathetosis, Congenital Hypothyroidism, and Neonatal Respiratory Distress Syndrome (Brain-Lung-Thyroid Syndrome); Choreoathetosis, congenital hypothyroidism, and neonatal respiratory distress; CHOREOATHETOSIS AND CONGENITAL HYPOTHYROIDISM WITH PULMONARY DYSFUNCTION. Identifiers: Orphanet 209905, MedGen C1970269, MONDO:0012593, OMIM 610978.
Benign hereditary chorea (BHC). Also called: Benign Hereditary Chorea (BHC); HEREDITARY PROGRESSIVE CHOREA WITHOUT DEMENTIA. Identifiers: Orphanet 1429, MedGen C0393584, MONDO:0021011, OMIM 118700.

Submissions (6):

3billion
Classification: Likely pathogenic for Benign hereditary chorea. Last evaluated: 2025-12-01. Review status: criteria provided, single submitter. Criteria: ACMG Guidelines, 2015. Collection method: clinical testing. Allele origin: germline. Affected: yes.
Comment: The variant is not observed in the gnomAD v4.1.0 dataset. Predicted Consequence/Location: Missense variant In silico tool predictions suggest damaging effect of the variant on gene or gene product [REVEL: 0.85 (>=0.6, sensitivity 0.68 and specificity 0.92); 3Cnet: 0.89 (> 0.75, sensitivity 0.96 and precision 0.92)]. The same nucleotide change resulting in the same amino acid change has been previously reported to be associated with NKX2-1-related disorder (ClinVar ID: VCV000374740 /PMID: 24171694).A different missense change at the same codon (p.Pro291Arg) has been reported as pathogenic/likely pathogenic with strong evidence (ClinVar ID: VCV000689773 /PMID: 30352709). Therefore, this variant is classified as Likely pathogenic according to the recommendation of ACMG/AMP guideline.

Labcorp Genetics (formerly Invitae), Labcorp
Classification: Uncertain significance. Last evaluated: 2024-10-29. Review status: criteria provided, single submitter. Criteria: Invitae Variant Classification Sherloc (09022015). Collection method: clinical testing. Allele origin: germline.
Comment: This sequence change replaces proline, which is neutral and non-polar, with leucine, which is neutral and non-polar, at codon 291 of the NKX2-1 protein (p.Pro291Leu). This variant is not present in population databases (gnomAD no frequency). This missense change has been observed in individual(s) with NKX2-1-related conditions (PMID: 24171694). ClinVar contains an entry for this variant (Variation ID: 374740). An algorithm developed to predict the effect of missense changes on protein structure and function (PolyPhen-2) suggests that this variant is likely to be disruptive. This variant disrupts the p.Pro291 amino acid residue in NKX2-1. Other variant(s) that disrupt this residue have been observed in individuals with NKX2-1-related conditions (PMID: 30352709), which suggests that this may be a clinically significant amino acid residue. In summary, the available evidence is currently insufficient to determine the role of this variant in disease. Therefore, it has been classified as a Variant of Uncertain Significance.

GeneDx
Classification: Pathogenic. Last evaluated: 2022-04-21. Review status: criteria provided, single submitter. Criteria: GeneDx Variant Classification Process June 2021. Collection method: clinical testing. Allele origin: germline. Affected: yes.
Comment: Identified in a patient with chorea, hypotonia, and neonatal respiratory distress in published literature (Peall et al., 2014); Not observed at significant frequency in large population cohorts (gnomAD); In silico analysis supports that this missense variant has a deleterious effect on protein structure/function; This variant is associated with the following publications: (PMID: 24171694)

Molecular Diagnostics Lab, Nemours Children's Health, Delaware
Classification: Likely pathogenic for Brain-lung-thyroid syndrome. Last evaluated: 2020-01-24. Review status: criteria provided, single submitter. Criteria: ACMG Guidelines, 2015. Collection method: clinical testing. Allele origin: unknown. Inheritance: Autosomal dominant inheritance. Affected: yes. Observed: 1 heterozygote.

CeGaT Center for Human Genetics Tuebingen
Classification: Likely pathogenic. Last evaluated: 2017-04-01. Review status: criteria provided, single submitter. Criteria: CeGaT Center For Human Genetics Tuebingen Variant Classification Criteria Version 2. Collection method: clinical testing. Allele origin: germline. Affected: yes. Observed: 2 variant alleles.

Department of Neurodegenerative Diseases, AG Gasser, Hertie Institute for Clinical Brain Research
Classification: Likely pathogenic for Benign hereditary chorea. Last evaluated: 2026-01-15. Review status: no assertion criteria provided. Collection method: research. Allele origin: germline. Inheritance: Autosomal unknown. Affected: yes. Not counted in ClinVar's aggregate classification.

Literature cited by the submitters: PubMed 30352709 (cited by 3billion and Labcorp Genetics (formerly Invitae), Labcorp); PubMed 24171694 (cited by 3 submitters).

NM_001079668.3(NKX2-1):c.872C>T (p.Pro291Leu)

Genes: SFTA3 (surfactant associated 3; minus strand), NKX2-1 (NK2 homeobox 1; minus strand). Cytogenetic location: 14q13.3.
Variant type: single nucleotide variant.
Coding change: c.872C>T on transcript NM_001079668.3 (MANE Select); coding-DNA position 872, C replaced by T.
Protein change: p.Pro291Leu; replaces proline 291 with leucine.
Molecular consequence: missense variant.
Genome position (GRCh38, 1-based): chr14:36,517,612, G>A on the plus strand (C>T on the coding strand, the complement: NKX2-1 is on the minus strand). VCF-style: chr14-36517612-G-A. GRCh37 (hg19) VCF-style: chr14-36986817-G-A.
Other names: c.782C>T, p.Pro261Leu (NM_003317.4); short protein forms P291L, P261L.
Identifiers: ClinVar variation 374740 (VCV000374740.51), dbSNP rs1057519223, ClinGen allele CA16043872.